The following is an entry in ClinVar:

ClinVar aggregate classification (germline): Uncertain significance (1 of 4 stars; one submission).

Conditions:
Arrhythmogenic cardiomyopathy with wooly hair and keratoderma. Also called: Dilated cardiomyopathy with woolly hair and keratoderma; PALMOPLANTAR KERATODERMA WITH LEFT VENTRICULAR CARDIOMYOPATHY AND WOOLLY HAIR; Carvajal syndrome; Arrhythmogenic cardiomyopathy with woolly hair and keratoderma. Identifiers: Orphanet 65282, MedGen C1854063, MONDO:0011581, OMIM 605676.
Arrhythmogenic right ventricular dysplasia 8 (ARVD8). Also called: Arrhythmogenic Right Ventricular Dysplasia/Cardiomyopathy 8; ARRHYTHMOGENIC RIGHT VENTRICULAR DYSPLASIA, FAMILIAL, 8; ARRHYTHMOGENIC RIGHT VENTRICULAR CARDIOMYOPATHY 8. Identifiers: MedGen C1843896, MONDO:0011831, OMIM 607450.

Submission:

Labcorp Genetics (formerly Invitae), Labcorp
Classification: Uncertain significance for Arrhythmogenic cardiomyopathy with wooly hair and keratoderma; Arrhythmogenic right ventricular dysplasia 8. Last evaluated: 2024-01-26. Review status: criteria provided, single submitter. Criteria: Invitae Variant Classification Sherloc (09022015). Collection method: clinical testing. Allele origin: germline.
Comment: This sequence change replaces aspartic acid, which is acidic and polar, with glutamic acid, which is acidic and polar, at codon 1631 of the DSP protein (p.Asp1631Glu). This variant is not present in population databases (gnomAD no frequency). This variant has not been reported in the literature in individuals affected with DSP-related conditions. ClinVar contains an entry for this variant (Variation ID: 1446081). An algorithm developed to predict the effect of missense changes on protein structure and function (PolyPhen-2) suggests that this variant is likely to be disruptive. In summary, the available evidence is currently insufficient to determine the role of this variant in disease. Therefore, it has been classified as a Variant of Uncertain Significance.

NM_004415.4(DSP):c.4893T>G (p.Asp1631Glu)

Gene: DSP (desmoplakin; plus strand). Cytogenetic location: 6p24.3.
Variant type: single nucleotide variant.
Coding change: c.4893T>G on transcript NM_004415.4 (MANE Select); coding-DNA position 4893, T replaced by G.
Protein change: p.Asp1631Glu; replaces aspartic acid 1631 with glutamic acid.
Molecular consequence: missense variant. On other transcripts: intron variant (2).
Genome position (GRCh38, 1-based): chr6:7,581,083, T>G. VCF-style: chr6-7581083-T-G. GRCh37 (hg19) VCF-style: chr6-7581316-T-G.
Other names: c.4050+843T>G (NM_001319034.2); c.3582+1311T>G (NM_001008844.3); short protein forms D1631E.
Identifiers: ClinVar variation 1446081 (VCV001446081.11), dbSNP rs775633446, ClinGen allele CA362687390.
Genomic context (GRCh38, chr6:7,581,083, plus strand): 5'-AATCACCAACCTGACCCAGCAGCTGGAGCAGGCATCCATTGTTAAGAAGAGGAGTGAGGA[T>G]GACCTCCGGCAGCAGAGGGACGTGCTGGATGGCCACCTGAGGGAAAAGCAGAGGACCCAG-3'
Protein context (NP_004406.2, residues 1621-1641): QASIVKKRSE[Asp1631Glu]DLRQQRDVLD